The following is an entry in ClinVar:

NM_000188.3(HK1):c.1159G>A (p.Ala387Thr)

Gene: HK1 (hexokinase 1; plus strand). Cytogenetic location: 10q22.1.
Variant type: single nucleotide variant.
Coding change: c.1159G>A on transcript NM_000188.3 (MANE Select); coding-DNA position 1159, G replaced by A.
Protein change: p.Ala387Thr; replaces alanine 387 with threonine.
Molecular consequence: missense variant.
Genome position (GRCh38, 1-based): chr10:69,379,989, G>A. VCF-style: chr10-69379989-G-A. GRCh37 (hg19) VCF-style: chr10-71139745-G-A.
Other names: c.1171G>A, p.Ala391Thr (NM_001322364.2, NM_001358263.1, NM_033497.3 and 1 more transcripts); c.1264G>A, p.Ala422Thr (NM_001322365.2); c.1075G>A, p.Ala359Thr (NM_001322366.1); c.1063G>A, p.Ala355Thr (NM_001322367.1); c.1156G>A, p.Ala386Thr (NM_033496.3); c.1123G>A, p.Ala375Thr (NM_033500.2); short protein forms A387T, A386T, A359T, A375T, A355T, A391T, A422T.
Identifiers: ClinVar variation 1472424 (VCV001472424.6), dbSNP rs1589566980, ClinGen allele CA376917472.
Genomic context (GRCh38, chr10:69,379,989, plus strand): 5'-GACTGTGTCTCAGTCCAGCACGTTTGCACCATTGTCTCATTTCGCTCAGCCAACTTGGTG[G>A]CTGCCACACTGGGCGCCATCTTGAACCGCCTGCGTGATAACAAGGGCACACCCAGGCTGC-3'
Protein context (NP_000179.2, residues 377-397): IVSFRSANLV[Ala387Thr]ATLGAILNRL

ClinVar aggregate classification (germline): Uncertain significance (1 of 4 stars; one submission).

Allele frequency attached by ClinVar (database versions not stated): gnomAD exomes below 0.00001.
gnomAD v4.1: 1 of 1,614,200 alleles (0.000062%); highest among the groups gnomAD compares: Non-Finnish European, 0.000085%; no homozygotes.

Submission:

Labcorp Genetics (formerly Invitae), Labcorp
Classification: Uncertain significance. Last evaluated: 2025-01-20. Review status: criteria provided, single submitter. Criteria: Invitae Variant Classification Sherloc (09022015). Collection method: clinical testing. Allele origin: germline.
Comment: This sequence change replaces alanine, which is neutral and non-polar, with threonine, which is neutral and polar, at codon 387 of the HK1 protein (p.Ala387Thr). This variant is not present in population databases (gnomAD no frequency). This variant has not been reported in the literature in individuals affected with HK1-related conditions. ClinVar contains an entry for this variant (Variation ID: 1472424). Invitae Evidence Modeling of protein sequence and biophysical properties (such as structural, functional, and spatial information, amino acid conservation, physicochemical variation, residue mobility, and thermodynamic stability) indicates that this missense variant is not expected to disrupt HK1 protein function with a negative predictive value of 80%. In summary, the available evidence is currently insufficient to determine the role of this variant in disease. Therefore, it has been classified as a Variant of Uncertain Significance.